The following is an entry in ClinVar:

ClinVar aggregate classification (germline): Conflicting classifications of pathogenicity. Review status: criteria provided, conflicting classifications (1 of 4 stars). 2 submissions from 2 submitters: Uncertain significance (1); Likely benign (1). Last evaluated 2026-06-01.

Conditions:
SLC35A2-congenital disorder of glycosylation. Also called: SLC35A2-CDG; CONGENITAL DISORDER OF GLYCOSYLATION, TYPE IIm; CDG IIm; CONGENITAL DISORDER OF GLYCOSYLATION, TYPE IIm, SOMATIC MOSAIC; DEVELOPMENTAL AND EPILEPTIC ENCEPHALOPATHY 22; EPILEPTIC ENCEPHALOPATHY, EARLY INFANTILE, 22. Identifiers: Orphanet 356961, MedGen C3806688, MONDO:0010478, OMIM 300896.

Allele frequency attached by ClinVar (database versions not stated): gnomAD exomes 0.00001.

Submissions (2):

CeGaT Center for Human Genetics Tuebingen
Classification: Likely benign. Last evaluated: 2026-06-01. Review status: criteria provided, single submitter. Criteria: CeGaT Center For Human Genetics Tuebingen Variant Classification Criteria Version 2. Collection method: clinical testing. Allele origin: germline. Affected: yes. Observed: 1 variant allele.
Comment: SLC35A2: PP2, BS2

Labcorp Genetics (formerly Invitae), Labcorp
Classification: Uncertain significance for SLC35A2-congenital disorder of glycosylation. Last evaluated: 2022-02-10. Review status: criteria provided, single submitter. Criteria: Invitae Variant Classification Sherloc (09022015). Collection method: clinical testing. Allele origin: germline.
Comment: This variant has not been reported in the literature in individuals affected with SLC35A2-related conditions. This sequence change replaces valine, which is neutral and non-polar, with isoleucine, which is neutral and non-polar, at codon 206 of the SLC35A2 protein (p.Val206Ile). The frequency data for this variant in the population databases is considered unreliable, as metrics indicate poor data quality at this position in the gnomAD database. Algorithms developed to predict the effect of missense changes on protein structure and function are either unavailable or do not agree on the potential impact of this missense change (SIFT: "Tolerated"; PolyPhen-2: "Probably Damaging"; Align-GVGD: "Class C0"). In summary, the available evidence is currently insufficient to determine the role of this variant in disease. Therefore, it has been classified as a Variant of Uncertain Significance.

NM_005660.3(SLC35A2):c.616G>A (p.Val206Ile)

Gene: SLC35A2 (solute carrier family 35 member A2; minus strand). Cytogenetic location: Xp11.23.
Variant type: single nucleotide variant.
Coding change: c.616G>A on transcript NM_005660.3 (MANE Select); coding-DNA position 616, G replaced by A.
Protein change: p.Val206Ile; replaces valine 206 with isoleucine.
Molecular consequence: missense variant. On other transcripts: intron variant (3).
Genome position (GRCh38, 1-based): chrX:48,905,293, C>T on the plus strand (G>A on the coding strand, the complement: SLC35A2 is on the minus strand). VCF-style: chrX-48905293-C-T. GRCh37 (hg19) VCF-style: chrX-48762570-C-T.
Other names: c.616G>A, p.Val206Ile (NM_001042498.3); c.433G>A, p.Val145Ile (NM_001282649.2); c.655G>A, p.Val219Ile (NM_001282650.2); c.700G>A, p.Val234Ile (NM_001282651.2); c.427-401G>A (NM_001282647.2, NM_001032289.3); c.355-401G>A (NM_001282648.2); short protein forms V219I, V234I, V145I, V206I.
Identifiers: ClinVar variation 1430194 (VCV001430194.12), dbSNP rs1557042878, ClinGen allele CA412895590.
Genomic context (GRCh38, chrX:48,905,293, plus strand): 5'-CTTTGAGGATCTTCTCAAAGTAGACACCTGCGAAGCCGGAGGAGAGACAGGAGGCCACGA[C>T]GGCTGCCAGGCCTGCCCCAGGGTTCTGATCCAGTGGCCGTGGGCCTCCCCCACCGGCTTG-3'
Protein context (NP_005651.1, residues 196-216): DQNPGAGLAA[Val206Ile]VASCLSSGFA